The following is an entry in ClinVar:

ClinVar aggregate classification (germline): Uncertain significance (1 of 4 stars; one submission).

Allele frequency attached by ClinVar (database versions not stated): TOPMed 0.00003; gnomAD 0.00004; ExAC 0.00005.
gnomAD v4.1: 12 of 1,195,937 alleles (0.001%); highest among the groups gnomAD compares: African/African-American, 0.007%; no homozygotes.

Submission:

Labcorp Genetics (formerly Invitae), Labcorp
Classification: Uncertain significance. Last evaluated: 2022-08-27. Review status: criteria provided, single submitter. Criteria: Invitae Variant Classification Sherloc (09022015). Collection method: clinical testing. Allele origin: germline.
Comment: In summary, the available evidence is currently insufficient to determine the role of this variant in disease. Therefore, it has been classified as a Variant of Uncertain Significance. Algorithms developed to predict the effect of missense changes on protein structure and function output the following: SIFT: "Deleterious"; PolyPhen-2: "Benign"; Align-GVGD: "Class C0". The histidine amino acid residue is found in multiple mammalian species, which suggests that this missense change does not adversely affect protein function. This variant has not been reported in the literature in individuals affected with NYX-related conditions. The frequency data for this variant in the population databases is considered unreliable, as metrics indicate poor data quality at this position in the gnomAD database. This sequence change replaces arginine, which is basic and polar, with histidine, which is basic and polar, at codon 380 of the NYX protein (p.Arg380His).

NM_001378477.3(NYX):c.1124G>A (p.Arg375His)

Gene: NYX (nyctalopin; plus strand). Cytogenetic location: Xp11.4.
Variant type: single nucleotide variant.
Coding change: c.1124G>A on transcript NM_001378477.3 (MANE Select); coding-DNA position 1124, G replaced by A.
Protein change: p.Arg375His; replaces arginine 375 with histidine.
Molecular consequence: missense variant.
Genome position (GRCh38, 1-based): chrX:41,474,592, G>A. VCF-style: chrX-41474592-G-A. GRCh37 (hg19) VCF-style: chrX-41333845-G-A.
Other names: c.1124G>A, p.Arg375His (NM_022567.3); short protein forms R375H.
Identifiers: ClinVar variation 2097700 (VCV002097700.4), dbSNP rs768139938, ClinGen allele CA10389910.